The following is an entry in ClinVar:

NM_014284.3(NCDN):c.1753+1G>A

Gene: NCDN (neurochondrin; plus strand). Cytogenetic location: 1p34.3.
Variant type: single nucleotide variant.
Coding change: c.1753+1G>A on transcript NM_014284.3 (MANE Select); the canonical splice donor site of the intron after coding-DNA position 1753, G replaced by A.
Molecular consequence: splice donor variant.
Genome position (GRCh38, 1-based): chr1:35,563,910, G>A. VCF-style: chr1-35563910-G-A. GRCh37 (hg19) VCF-style: chr1-36029511-G-A.
Other names: c.1753+1G>A (NM_001014839.2); c.1702+1G>A (NM_001014841.2).
Identifiers: ClinVar variation 2638651 (VCV002638651.24), dbSNP rs1391721354, ClinGen allele CA339347932.

ClinVar aggregate classification (germline): Uncertain significance (1 of 4 stars; one submission).

Submission:

CeGaT Center for Human Genetics Tuebingen
Classification: Uncertain significance. Last evaluated: 2023-04-01. Review status: criteria provided, single submitter. Criteria: CeGaT Center For Human Genetics Tuebingen Variant Classification Criteria Version 2. Collection method: clinical testing. Allele origin: germline. Affected: yes. Observed: 1 variant allele.
Comment: NCDN: PM2